The following is an entry in ClinVar:

NM_001024630.4(RUNX2):c.681del (p.Arg228fs)

Gene: RUNX2 (RUNX family transcription factor 2; plus strand). Cytogenetic location: 6p21.1.
Variant type: Deletion.
Coding change: c.681del on transcript NM_001024630.4 (MANE Select); coding-DNA position 681, one base deleted (C; older notation c.681delC).
Protein change: p.Arg228fs; shifts the reading frame from arginine 228.
Molecular consequence: frameshift variant.
Genome position (GRCh38, 1-based): chr6:45,438,047, C deleted; the last of 3 consecutive C bases (chr6:45,438,045-45,438,047); deleting any one gives the same sequence. VCF-style (leftmost placement, unchanged base first): chr6-45438044-AC-A. GRCh37 (hg19) VCF-style: chr6-45405781-AC-A.
Other names: c.681del, p.Arg228fs (NM_001015051.4); c.639del, p.Arg214fs (NM_001278478.2, NM_001369405.1); c.639delC, p.Arg214Glufs (NM_004348.3); short protein forms R228fs, R214fs.
Identifiers: ClinVar variation 2771792 (VCV002771792.3), dbSNP rs2548593597, ClinGen allele CA2697553390.
Genomic context (GRCh38, chr6:45,438,044, plus strand): 5'-TCCTCCCCAAGTAGCTACCTATCACAGAGCAATTAAAGTTACAGTAGATGGACCTCGGGA[AC>A]CCAGAAGTAAGTACTCCCCTTTTTATTGAAGAAAGTAATAGAGTTTCCAGAGACCCTATG-3'

ClinVar aggregate classification (germline): Pathogenic (1 of 4 stars; one submission).

Submission:

Labcorp Genetics (formerly Invitae), Labcorp
Classification: Pathogenic. Last evaluated: 2023-10-25. Review status: criteria provided, single submitter. Criteria: Invitae Variant Classification Sherloc (09022015). Collection method: clinical testing. Allele origin: germline.
Comment: This sequence change creates a premature translational stop signal (p.Arg228Glufs*22) in the RUNX2 gene. It is expected to result in an absent or disrupted protein product. Loss-of-function variants in RUNX2 are known to be pathogenic (PMID: 10521292, 11857736). This variant is not present in population databases (gnomAD no frequency). This variant has not been reported in the literature in individuals affected with RUNX2-related conditions. For these reasons, this variant has been classified as Pathogenic.

Literature cited by the submitters: PubMed 10521292; PubMed 11857736.